The following is an entry in ClinVar:

NM_003114.5(SPAG1):c.2367del (p.Ser789fs)

Gene: SPAG1 (sperm associated antigen 1; plus strand). Cytogenetic location: 8q22.2.
Variant type: Deletion.
Coding change: c.2367del on transcript NM_003114.5 (MANE Select); coding-DNA position 2367, one base deleted (C; older notation c.2367delC).
Protein change: p.Ser789fs; shifts the reading frame from serine 789.
Molecular consequence: frameshift variant.
Genome position (GRCh38, 1-based): chr8:100,240,489, C deleted. VCF-style (leftmost placement, unchanged base first): chr8-100240488-GC-G. GRCh37 (hg19) VCF-style: chr8-101252716-GC-G.
Other names: c.2367del, p.Ser789fs (NM_001374321.1, NM_172218.3); c.2367delC (NM_172218.2); c.2367del (NM_172218.2); short protein forms S789fs.
Identifiers: ClinVar variation 2915487 (VCV002915487.5), dbSNP rs757398573, ClinGen allele CA4827732.

ClinVar aggregate classification (germline): Pathogenic/Likely pathogenic. Review status: criteria provided, multiple submitters, no conflicts (2 of 4 stars). 3 submissions from 3 submitters: Pathogenic (1); Likely pathogenic (1). 1 of the submissions does not count toward it. Last evaluated 2025-07-21.

Conditions:
SPAG1-related disorder. Also called: SPAG1-related condition.
Primary ciliary dyskinesia 28. Also called: CILIARY DYSKINESIA, PRIMARY, 28, WITH OR WITHOUT SITUS INVERSUS. Identifiers: Orphanet 244, MedGen C3809706, MONDO:0014216, OMIM 615505.

Allele frequency attached by ClinVar (database versions not stated): ExAC 0.00001; gnomAD exomes 0.00001.

Submissions (3):

Labcorp Genetics (formerly Invitae), Labcorp
Classification: Pathogenic for Primary ciliary dyskinesia 28. Last evaluated: 2025-07-21. Review status: criteria provided, single submitter. Criteria: Invitae Variant Classification Sherloc (09022015). Collection method: clinical testing. Allele origin: germline.
Comment: This sequence change creates a premature translational stop signal (p.Ser789Argfs*12) in the SPAG1 gene. It is expected to result in an absent or disrupted protein product. Loss-of-function variants in SPAG1 are known to be pathogenic (PMID: 24055112). This variant is present in population databases (rs757398573, gnomAD 0.004%). This variant has not been reported in the literature in individuals affected with SPAG1-related conditions. ClinVar contains an entry for this variant (Variation ID: 2915487). For these reasons, this variant has been classified as Pathogenic.

Revvity Omics, Revvity
Classification: Likely pathogenic for Primary ciliary dyskinesia 28. Last evaluated: 2024-05-15. Review status: criteria provided, single submitter. Criteria: ACMG Guidelines, 2015. Collection method: clinical testing. Allele origin: germline.

PreventionGenetics, part of Exact Sciences
Classification: Likely pathogenic for SPAG1-related condition. Last evaluated: 2024-08-15. Review status: no assertion criteria provided. Collection method: clinical testing. Allele origin: germline. Not counted in ClinVar's aggregate classification.
Comment: The SPAG1 c.2367delC variant is predicted to result in a frameshift and premature protein termination (p.Ser789Argfs*12). To our knowledge, this variant has not been reported in the literature. This variant is reported in 0.0035% of alleles in individuals of European (Non-Finnish) descent in gnomAD. Frameshift variants in SPAG1 are expected to be pathogenic. This variant is interpreted as likely pathogenic.

Literature cited by the submitters: PubMed 24055112 (cited by Labcorp Genetics (formerly Invitae), Labcorp).